The following is an entry in ClinVar:

ClinVar aggregate classification (germline): Benign. Review status: criteria provided, multiple submitters, no conflicts (2 of 4 stars). 2 submissions from 2 submitters: Benign (2). Last evaluated 2018-06-13.

Allele frequency attached by ClinVar (database versions not stated): 1000 Genomes Project 0.08546; gnomAD 0.08811 and 0.09409; 1000 Genomes Project 30x 0.09307; TOPMed 0.09669.
gnomAD v4.1: 34,610 of 1,233,668 alleles (2.8%); highest among the groups gnomAD compares: African/African-American, 28%; 2,866 homozygotes.

Submissions (2):

GeneDx
Classification: Benign. Last evaluated: 2018-06-13. Review status: criteria provided, single submitter. Criteria: GeneDx Variant Classification (06012015). Collection method: clinical testing. Allele origin: germline. Affected: yes.
Comment: This variant is considered likely benign or benign based on one or more of the following criteria: it is a conservative change, it occurs at a poorly conserved position in the protein, it is predicted to be benign by multiple in silico algorithms, and/or has population frequency not consistent with disease.

Breakthrough Genomics
Classification: Benign. Review status: criteria provided, single submitter. Criteria: ACMG Guidelines, 2015. Collection method: not provided. Allele origin: germline. Inheritance: Autosomal dominant inheritance. Affected: yes.

NM_002473.6(MYH9):c.3485+73C>T

Gene: MYH9 (myosin heavy chain 9; minus strand). Cytogenetic location: 22q12.3.
Variant type: single nucleotide variant.
Coding change: c.3485+73C>T on transcript NM_002473.6 (MANE Select); 73 bases into the intron after coding-DNA position 3485, C replaced by T.
Molecular consequence: intron variant.
Genome position (GRCh38, 1-based): chr22:36,295,432, G>A on the plus strand (C>T on the coding strand, the complement: MYH9 is on the minus strand). VCF-style: chr22-36295432-G-A. GRCh37 (hg19) VCF-style: chr22-36691478-G-A.
Identifiers: ClinVar variation 682633 (VCV000682633.2), dbSNP rs73885341, ClinGen allele CA14975793.